The following is an entry in ClinVar:

ClinVar aggregate classification (germline): Conflicting classifications of pathogenicity. Review status: criteria provided, conflicting classifications (1 of 4 stars). 5 submissions from 5 submitters: Uncertain significance (4); Likely benign (1). Last evaluated 2025-11-17.

Conditions:
Hereditary cancer-predisposing syndrome. Also called: Neoplastic Syndromes, Hereditary; Tumor predisposition; Hereditary Cancer Syndrome; Hereditary neoplastic syndrome. Identifiers: Orphanet 140162, MedGen C0027672, MeSH D009386, MONDO:0015356.
Facial dysmorphism-immunodeficiency-livedo-short stature syndrome. Also called: Facial dysmorphism, immunodeficiency, livedo, and short stature; FILS syndrome. Identifiers: Orphanet 352712, MedGen C3554576, MONDO:0014058, OMIM 615139.
Intrauterine growth retardation, metaphyseal dysplasia, adrenal hypoplasia congenita, genital anomalies, and immunodeficiency. Also called: IMAGEI SYNDROME. Identifiers: MedGen C5193036, MONDO:0032684, OMIM 618336.
Colorectal cancer, susceptibility to, 12 (CRCS12). Also called: COLORECTAL CANCER, SUSCEPTIBILITY TO, ON CHROMOSOME 12q24. Identifiers: Orphanet 220460, MedGen C3554460, MONDO:0014038, OMIM 615083.

Allele frequency attached by ClinVar (database versions not stated): gnomAD exomes 0.00001 and below 0.00001.
gnomAD v4.1: 19 of 1,614,188 alleles (0.0012%); highest among the groups gnomAD compares: Non-Finnish European, 0.0014%; no homozygotes.

Submissions (5):

Labcorp Genetics (formerly Invitae), Labcorp
Classification: Uncertain significance. Last evaluated: 2025-11-17. Review status: criteria provided, single submitter. Criteria: Invitae Variant Classification Sherloc (09022015). Collection method: clinical testing. Allele origin: germline.
Comment: This sequence change replaces proline, which is neutral and non-polar, with leucine, which is neutral and non-polar, at codon 1226 of the POLE protein (p.Pro1226Leu). This variant is present in population databases (no rsID available, gnomAD 0.0009%). This variant has not been reported in the literature in individuals affected with POLE-related conditions. ClinVar contains an entry for this variant (Variation ID: 473615). Invitae Evidence Modeling of protein sequence and biophysical properties (such as structural, functional, and spatial information, amino acid conservation, physicochemical variation, residue mobility, and thermodynamic stability) indicates that this missense variant is not expected to disrupt POLE protein function with a negative predictive value of 80%. In summary, the available evidence is currently insufficient to determine the role of this variant in disease. Therefore, it has been classified as a Variant of Uncertain Significance.

Center for Genomic Medicine, Rigshospitalet, Copenhagen University Hospital
Classification: Uncertain significance. Last evaluated: 2025-03-04. Review status: criteria provided, single submitter. Criteria: ACMG Guidelines, 2015. Collection method: clinical testing. Allele origin: germline.

Ambry Genetics
Classification: Likely benign for Hereditary cancer-predisposing syndrome. Last evaluated: 2025-01-11. Review status: criteria provided, single submitter. Criteria: Ambry Variant Classification Scheme 2023. Collection method: clinical testing. Allele origin: germline.

Department of Pathology and Laboratory Medicine, Sinai Health System
Classification: Uncertain significance for Colorectal cancer, susceptibility to, 12; Facial dysmorphism-immunodeficiency-livedo-short stature syndrome; Intrauterine growth retardation, metaphyseal dysplasia, adrenal hypoplasia congenita, genital anomalies, and immunodeficiency. Last evaluated: 2023-03-28. Review status: criteria provided, single submitter. Criteria: ACMG Guidelines, 2015. Collection method: clinical testing. Allele origin: germline. Affected: no.

Quest Diagnostics Nichols Institute San Juan Capistrano
Classification: Uncertain significance. Last evaluated: 2018-05-15. Review status: criteria provided, single submitter. Criteria: Quest Diagnostics criteria. Collection method: clinical testing. Allele origin: germline.

NM_006231.4(POLE):c.3677C>T (p.Pro1226Leu)

Gene: POLE (DNA polymerase epsilon, catalytic subunit; minus strand). Cytogenetic location: 12q24.33.
Variant type: single nucleotide variant.
Coding change: c.3677C>T on transcript NM_006231.4 (MANE Select); coding-DNA position 3677, C replaced by T.
Protein change: p.Pro1226Leu; replaces proline 1226 with leucine.
Molecular consequence: missense variant.
Genome position (GRCh38, 1-based): chr12:132,649,795, G>A on the plus strand (C>T on the coding strand, the complement: POLE is on the minus strand). VCF-style: chr12-132649795-G-A. GRCh37 (hg19) VCF-style: chr12-133226381-G-A.
Other names: c.3677C>T (NM_006231.2); short protein forms P1226L.
Identifiers: ClinVar variation 473615 (VCV000473615.13), dbSNP rs1390451656, ClinGen allele CA387386629.